The following is an entry in ClinVar:

ClinVar aggregate classification (germline): Uncertain significance. Review status: criteria provided, multiple submitters, no conflicts (2 of 4 stars). 5 submissions from 5 submitters: Uncertain significance (5). Last evaluated 2026-01-21.

Conditions:
Naxos disease (NXD). Also called: MAL DE NAXOS; PALMOPLANTAR KERATODERMA WITH ARRHYTHMOGENIC RIGHT VENTRICULAR CARDIOMYOPATHY AND WOOLLY HAIR; WOOLLY HAIR, PALMOPLANTAR KERATODERMA, AND CARDIAC ABNORMALITIES; CARDIOMYOPATHY, ARRHYTHMOGENIC RIGHT VENTRICULAR, WITH SKIN, HAIR, AND NAIL ABNORMALITIES; KERATOSIS PALMOPLANTARIS WITH ARRHYTHMOGENIC CARDIOMYOPATHY. Identifiers: Orphanet 34217, MedGen C1832600, MONDO:0011017, OMIM 601214.
Arrhythmogenic right ventricular dysplasia 12. Also called: ARRHYTHMOGENIC RIGHT VENTRICULAR DYSPLASIA, FAMILIAL, 12. Identifiers: MedGen C1969081, MONDO:0012684, OMIM 611528.
Cardiovascular phenotype. Identifiers: MedGen CN230736.

Allele frequency attached by ClinVar (database versions not stated): gnomAD exomes below 0.00001 and 0.00001; ExAC 0.00001; gnomAD 0.00001; TOPMed 0.00002.
gnomAD v4.1: 9 of 1,613,622 alleles (0.00056%); highest among the groups gnomAD compares: South Asian, 0.0011%; no homozygotes.

Submissions (5):

Labcorp Genetics (formerly Invitae), Labcorp
Classification: Uncertain significance for Arrhythmogenic right ventricular dysplasia 12; Naxos disease. Last evaluated: 2026-01-21. Review status: criteria provided, single submitter. Criteria: Invitae Variant Classification Sherloc (09022015). Collection method: clinical testing. Allele origin: germline.
Comment: This sequence change replaces arginine, which is basic and polar, with tryptophan, which is neutral and slightly polar, at codon 582 of the JUP protein (p.Arg582Trp). This variant is present in population databases (rs782205755, gnomAD 0.003%). This variant has not been reported in the literature in individuals affected with JUP-related conditions. ClinVar contains an entry for this variant (Variation ID: 930073). An algorithm developed to predict the effect of missense changes on protein structure and function (PolyPhen-2) suggests that this variant is likely to be disruptive. In summary, the available evidence is currently insufficient to determine the role of this variant in disease. Therefore, it has been classified as a Variant of Uncertain Significance.

Women's Health and Genetics/Laboratory Corporation of America, LabCorp
Classification: Uncertain significance. Last evaluated: 2023-02-20. Review status: criteria provided, single submitter. Criteria: LabCorp Variant Classification Summary - May 2015. Collection method: clinical testing. Allele origin: germline.

Ambry Genetics
Classification: Uncertain significance for Cardiovascular phenotype. Last evaluated: 2023-01-01. Review status: criteria provided, single submitter. Criteria: Ambry Variant Classification Scheme 2023. Collection method: clinical testing. Allele origin: germline.
Comment: The p.R582W variant (also known as c.1744C>T), located in coding exon 9 of the JUP gene, results from a C to T substitution at nucleotide position 1744. The arginine at codon 582 is replaced by tryptophan, an amino acid with dissimilar properties. This amino acid position is conserved. In addition, this alteration is predicted to be tolerated by in silico analysis. Since supporting evidence is limited at this time, the clinical significance of this alteration remains unclear.

Fulgent Genetics
Classification: Uncertain significance for Naxos disease; Arrhythmogenic right ventricular dysplasia 12. Last evaluated: 2021-10-26. Review status: criteria provided, single submitter. Criteria: ACMG Guidelines, 2015. Collection method: clinical testing. Allele origin: unknown.

Laboratory for Molecular Medicine, Mass General Brigham Personalized Medicine
Classification: Uncertain significance. Last evaluated: 2020-04-20. Review status: criteria provided, single submitter. Criteria: LMM Criteria. Collection method: clinical testing. Allele origin: germline. Observed: 1 variant allele.
Comment: The p.Arg582Trp variant in JUP has not been previously reported in individuals with arrhythmogenic right ventricular cardiomyopathy (ARVC) or Naxos disease, but has been identified in 0.003% (1/30616) of South Asian chromosomes by gnomAD. Computational prediction tools and conservation analyses do not provide strong support for or against an impact to the protein. In summary, the clinical significance of this variant is uncertain. ACMG/AMP Criteria applied: PM2.

NM_002230.4(JUP):c.1744C>T (p.Arg582Trp)

Gene: JUP (junction plakoglobin; minus strand). Cytogenetic location: 17q21.2.
Variant type: single nucleotide variant.
Coding change: c.1744C>T on transcript NM_002230.4 (MANE Select); coding-DNA position 1744, C replaced by T.
Protein change: p.Arg582Trp; replaces arginine 582 with tryptophan.
Molecular consequence: missense variant.
Genome position (GRCh38, 1-based): chr17:41,758,428, G>A on the plus strand (C>T on the coding strand, the complement: JUP is on the minus strand). VCF-style: chr17-41758428-G-A. GRCh37 (hg19) VCF-style: chr17-39914680-G-A.
Other names: c.1744C>T, p.Arg582Trp (NM_001352773.2, NM_001352774.2, NM_001352775.2 and 3 more transcripts); c.1744C>T (NM_021991.2, NM_002230.2); short protein forms R582W.
Identifiers: ClinVar variation 930073 (VCV000930073.15), dbSNP rs782205755, ClinGen allele CA8565142.